The following is an entry in ClinVar:

ClinVar aggregate classification (germline): Uncertain significance (1 of 4 stars; one submission).

Submission:

Ambry Genetics
Classification: Uncertain significance. Last evaluated: 2024-11-21. Review status: criteria provided, single submitter. Criteria: Ambry Variant Classification Scheme 2023. Collection method: clinical testing. Allele origin: germline.
Comment: The p.A158V variant (also known as c.473C>T), located in coding exon 1 of the WNK2 gene, results from a C to T substitution at nucleotide position 473. The alanine at codon 158 is replaced by valine, an amino acid with similar properties. This amino acid position is conserved. In addition, this alteration is predicted to be tolerated by in silico analysis. Based on the available evidence, the clinical significance of this variant remains unclear.

NM_006648.4(WNK2):c.473C>T (p.Ala158Val)

Gene: WNK2 (WNK lysine deficient protein kinase 2; plus strand). Cytogenetic location: 9q22.31.
Variant type: single nucleotide variant.
Coding change: c.473C>T on transcript NM_006648.4 (MANE Select); coding-DNA position 473, C replaced by T.
Protein change: p.Ala158Val; replaces alanine 158 with valine.
Molecular consequence: missense variant.
Genome position (GRCh38, 1-based): chr9:93,185,402, C>T. VCF-style: chr9-93185402-C-T. GRCh37 (hg19) VCF-style: chr9-95947684-C-T.
Other names: c.473C>T, p.Ala158Val (NM_001282394.3); short protein forms A158V.
Identifiers: ClinVar variation 3470241 (VCV003470241.1).